The following is an entry in ClinVar:

NM_006361.6(HOXB13):c.755C>A (p.Ala252Asp)

Gene: HOXB13 (homeobox B13; minus strand). Cytogenetic location: 17q21.32.
Variant type: single nucleotide variant.
Coding change: c.755C>A on transcript NM_006361.6 (MANE Select); coding-DNA position 755, C replaced by A.
Protein change: p.Ala252Asp; replaces alanine 252 with aspartic acid.
Molecular consequence: missense variant.
Genome position (GRCh38, 1-based): chr17:48,726,890, G>T on the plus strand (C>A on the coding strand, the complement: HOXB13 is on the minus strand). VCF-style: chr17-48726890-G-T. GRCh37 (hg19) VCF-style: chr17-46804252-G-T.
Other names: short protein forms A252D.
Identifiers: ClinVar variation 1022489 (VCV001022489.8), dbSNP rs2038216637, ClinGen allele CA400106020.

ClinVar aggregate classification (germline): Uncertain significance (1 of 4 stars; one submission).

Submission:

Labcorp Genetics (formerly Invitae), Labcorp
Classification: Uncertain significance. Last evaluated: 2024-03-06. Review status: criteria provided, single submitter. Criteria: Invitae Variant Classification Sherloc (09022015). Collection method: clinical testing. Allele origin: germline.
Comment: This sequence change replaces alanine, which is neutral and non-polar, with aspartic acid, which is acidic and polar, at codon 252 of the HOXB13 protein (p.Ala252Asp). This variant is not present in population databases (gnomAD no frequency). This variant has not been reported in the literature in individuals affected with HOXB13-related conditions. ClinVar contains an entry for this variant (Variation ID: 1022489). Advanced modeling of protein sequence and biophysical properties (such as structural, functional, and spatial information, amino acid conservation, physicochemical variation, residue mobility, and thermodynamic stability) performed at Invitae indicates that this missense variant is not expected to disrupt HOXB13 protein function with a negative predictive value of 80%. In summary, the available evidence is currently insufficient to determine the role of this variant in disease. Therefore, it has been classified as a Variant of Uncertain Significance.